The following is an entry in ClinVar:

ClinVar aggregate classification (germline): Likely benign. Review status: criteria provided, multiple submitters, no conflicts (2 of 4 stars). 3 submissions from 3 submitters: Likely benign (3). Last evaluated 2025-10-02.

Conditions:
Mitochondrial complex IV deficiency, nuclear type 15. Also called: Mitochondrial complex 4 deficiency, nuclear type 15. Identifiers: MedGen C5436712, MONDO:0033650, OMIM 619059.

Allele frequency attached by ClinVar (database versions not stated): 1000 Genomes Project 30x 0.00016; 1000 Genomes Project 0.00020; gnomAD exomes 0.00023.
gnomAD v4.1: 198 of 1,606,990 alleles (0.012%); highest among the groups gnomAD compares: South Asian, 0.16%; 2 homozygotes.

Submissions (3):

Labcorp Genetics (formerly Invitae), Labcorp
Classification: Likely benign. Last evaluated: 2025-10-02. Review status: criteria provided, single submitter. Criteria: Invitae Variant Classification Sherloc (09022015). Collection method: clinical testing. Allele origin: germline.

CeGaT Center for Human Genetics Tuebingen
Classification: Likely benign. Last evaluated: 2025-05-01. Review status: criteria provided, single submitter. Criteria: CeGaT Center For Human Genetics Tuebingen Variant Classification Criteria Version 2. Collection method: clinical testing. Allele origin: germline. Affected: yes. Observed: 2 variant alleles.
Comment: COX8A: BP4, BP7

Fulgent Genetics
Classification: Likely benign for Mitochondrial complex IV deficiency, nuclear type 15. Last evaluated: 2022-03-30. Review status: criteria provided, single submitter. Criteria: ACMG Guidelines, 2015. Collection method: clinical testing. Allele origin: unknown.

NM_004074.3(COX8A):c.93G>T (p.Pro31=)

Genes: COX8A (cytochrome c oxidase subunit 8A; plus strand), LOC130005904 (ATAC-STARR-seq lymphoblastoid active region 4880; plus strand). Cytogenetic location: 11q13.1.
Variant type: single nucleotide variant.
Coding change: c.93G>T on transcript NM_004074.3 (MANE Select); coding-DNA position 93, G replaced by T.
Protein change: p.Pro31=; no amino-acid change (proline 31 retained).
Molecular consequence: synonymous variant.
Genome position (GRCh38, 1-based): chr11:63,974,773, G>T. VCF-style: chr11-63974773-G-T. GRCh37 (hg19) VCF-style: chr11-63742245-G-T.
Identifiers: ClinVar variation 1571647 (VCV001571647.34), dbSNP rs528113495, ClinGen allele CA6066727.